The following is an entry in ClinVar:

ClinVar aggregate classification (germline): Uncertain significance (1 of 4 stars; one submission).

Conditions:
Retinoblastoma (RB1). Also called: RETINOBLASTOMA, SOMATIC. Identifiers: Orphanet 790, MedGen C0035335, MeSH D012175, MONDO:0008380, OMIM 180200, HP:0009919. Disease mechanism: loss of function. Inheritance: Both sporadic and heritable forms are tested..

Submission:

Labcorp Genetics (formerly Invitae), Labcorp
Classification: Uncertain significance for Retinoblastoma. Last evaluated: 2025-09-11. Review status: criteria provided, single submitter. Criteria: Invitae Variant Classification Sherloc (09022015). Collection method: clinical testing. Allele origin: germline.
Comment: This variant occurs in a non-coding region of the RB1 gene. It does not change the encoded amino acid sequence of the RB1 protein. This variant is not present in population databases (gnomAD no frequency). This variant has not been reported in the literature in individuals affected with RB1-related conditions. In summary, the available evidence is currently insufficient to determine the role of this variant in disease. Therefore, it has been classified as a Variant of Uncertain Significance.

NM_000321.3(RB1):c.-152C>A

Gene: RB1 (RB transcriptional corepressor 1; plus strand). Cytogenetic location: 13q14.2.
Variant type: single nucleotide variant.
Coding change: c.-152C>A on transcript NM_000321.3 (MANE Select); 152 bases upstream of the start codon, C replaced by A.
Molecular consequence: 5 prime UTR variant.
Genome position (GRCh38, 1-based): chr13:48,303,761, C>A. VCF-style: chr13-48303761-C-A. GRCh37 (hg19) VCF-style: chr13-48877897-C-A.
Other names: c.-152C>A (NM_001407165.1, NM_001407166.1, NM_001407167.1).
Identifiers: ClinVar variation 4810163 (VCV004810163.1).